The following is an entry in ClinVar:

ClinVar aggregate classification (germline): Pathogenic (1 of 4 stars; one submission).

Conditions:
Perlman syndrome (PRLMNS). Identifiers: Orphanet 2849, MedGen C0796113, MONDO:0009965, OMIM 267000.

Submission:

Labcorp Genetics (formerly Invitae), Labcorp
Classification: Pathogenic for Perlman syndrome. Last evaluated: 2022-07-14. Review status: criteria provided, single submitter. Criteria: Invitae Variant Classification Sherloc (09022015). Collection method: clinical testing. Allele origin: germline.
Comment: For these reasons, this variant has been classified as Pathogenic. This variant has not been reported in the literature in individuals affected with DIS3L2-related conditions. This variant is not present in population databases (gnomAD no frequency). This sequence change creates a premature translational stop signal (p.Asp391Metfs*23) in the DIS3L2 gene. It is expected to result in an absent or disrupted protein product. Loss-of-function variants in DIS3L2 are known to be pathogenic (PMID: 22306653, 28328139).

Literature cited by the submitters: PubMed 22306653; PubMed 28328139.

NM_152383.5(DIS3L2):c.1170del (p.Asp391fs)

Gene: DIS3L2 (DIS3 like 3'-5' exoribonuclease 2; plus strand). Cytogenetic location: 2q37.1.
Variant type: Deletion.
Coding change: c.1170del on transcript NM_152383.5 (MANE Select); coding-DNA position 1170, one base deleted (C; older notation c.1170delC).
Protein change: p.Asp391fs; shifts the reading frame from aspartic acid 391.
Molecular consequence: frameshift variant. On other transcripts: non-coding transcript variant (2).
Genome position (GRCh38, 1-based): chr2:232,210,371, C deleted. VCF-style (leftmost placement, unchanged base first): chr2-232210370-TC-T. GRCh37 (hg19) VCF-style: chr2-233075080-TC-T.
Other names: c.1170del, p.Asp391fs (NM_001257281.2); short protein forms D391fs.
Identifiers: ClinVar variation 2017168 (VCV002017168.4), dbSNP rs2469982350, ClinGen allele CA2580066017.
Genomic context (GRCh38, chr2:232,210,370, plus strand): 5'-CTTCACTCTTTCCTAGAAAAGACTGTATCTTCACCATTGACCCATCAACCGCCCGAGACC[TC>T]GATGATGCCCTCTCCTGCAAGCCACTCGCTGACGGTAGGATGGAAATTTCTATAGCATCT-3'